The following is an entry in ClinVar:

NM_001348323.3(TRIP12):c.730A>G (p.Thr244Ala)

Gene: TRIP12 (thyroid hormone receptor interactor 12; minus strand). Cytogenetic location: 2q36.3.
Variant type: single nucleotide variant.
Coding change: c.730A>G on transcript NM_001348323.3 (MANE Select); coding-DNA position 730, A replaced by G.
Protein change: p.Thr244Ala; replaces threonine 244 with alanine.
Molecular consequence: missense variant. On other transcripts: intron variant (1).
Genome position (GRCh38, 1-based): chr2:229,859,069, T>C on the plus strand (A>G on the coding strand, the complement: TRIP12 is on the minus strand). VCF-style: chr2-229859069-T-C. GRCh37 (hg19) VCF-style: chr2-230723785-T-C.
Other names: c.604A>G, p.Thr202Ala (NM_001284215.2, NM_001348316.2, NM_001348317.1 and 3 more transcripts); c.730A>G, p.Thr244Ala (NM_001348315.2, NM_001348319.1, NM_001348320.2 and 15 more transcripts); c.98+20913A>G (NM_001284216.2); c.604A>G (NM_004238.1); short protein forms T202A, T244A.
Identifiers: ClinVar variation 3067259 (VCV003067259.21), dbSNP rs150360606, ClinGen allele CA2153463.

ClinVar aggregate classification (germline): Likely benign. Review status: criteria provided, multiple submitters, no conflicts (2 of 4 stars). 2 submissions from 2 submitters: Likely benign (2). Last evaluated 2025-04-04.

Conditions:
Inborn genetic diseases. Identifiers: MedGen C0950123, MeSH D030342.

Allele frequency attached by ClinVar (database versions not stated): gnomAD 0.00005; TOPMed 0.00006; ESP Exome Variant Server 0.00023.
gnomAD v4.1: 209 of 1,614,026 alleles (0.013%); highest among the groups gnomAD compares: Non-Finnish European, 0.017%; no homozygotes.

Submissions (2):

Ambry Genetics
Classification: Likely benign for Inborn genetic diseases. Last evaluated: 2025-04-04. Review status: criteria provided, single submitter. Criteria: Ambry Variant Classification Scheme 2023. Collection method: clinical testing. Allele origin: germline.

CeGaT Center for Human Genetics Tuebingen
Classification: Likely benign. Last evaluated: 2024-03-01. Review status: criteria provided, single submitter. Criteria: CeGaT Center For Human Genetics Tuebingen Variant Classification Criteria Version 2. Collection method: clinical testing. Allele origin: germline. Affected: yes. Observed: 1 variant allele.
Comment: TRIP12: BP4